The following is an entry in ClinVar:

NM_021942.6(TRAPPC11):c.1430A>T (p.Asp477Val)

Gene: TRAPPC11 (trafficking protein particle complex subunit 11; plus strand). Cytogenetic location: 4q35.1.
Variant type: single nucleotide variant.
Coding change: c.1430A>T on transcript NM_021942.6 (MANE Select); coding-DNA position 1430, A replaced by T.
Protein change: p.Asp477Val; replaces aspartic acid 477 with valine.
Molecular consequence: missense variant.
Genome position (GRCh38, 1-based): chr4:183,684,704, A>T. VCF-style: chr4-183684704-A-T. GRCh37 (hg19) VCF-style: chr4-184605857-A-T.
Other names: c.1430A>T, p.Asp477Val (NM_199053.3); short protein forms D477V.
Identifiers: ClinVar variation 1953200 (VCV001953200.5), dbSNP rs1735875357, ClinGen allele CA358867156.

ClinVar aggregate classification (germline): Uncertain significance (1 of 4 stars; one submission).

Conditions:
Autosomal recessive limb-girdle muscular dystrophy type R18 (LGMDR18). Also called: Limb-girdle muscular dystrophy, type 2S; MUSCULAR DYSTROPHY, LIMB-GIRDLE, AUTOSOMAL RECESSIVE 18; Autosomal recessive limb-girdle muscular dystrophy type 2S. Identifiers: Orphanet 369840, MedGen C4517996, MONDO:0014144, OMIM 615356.

Allele frequency attached by ClinVar (database versions not stated): gnomAD 0.00001.

Submission:

Labcorp Genetics (formerly Invitae), Labcorp
Classification: Uncertain significance for Autosomal recessive limb-girdle muscular dystrophy type R18. Last evaluated: 2022-08-20. Review status: criteria provided, single submitter. Criteria: Invitae Variant Classification Sherloc (09022015). Collection method: clinical testing. Allele origin: germline.
Comment: This sequence change replaces aspartic acid, which is acidic and polar, with valine, which is neutral and non-polar, at codon 477 of the TRAPPC11 protein (p.Asp477Val). This variant is not present in population databases (gnomAD no frequency). This variant has not been reported in the literature in individuals affected with TRAPPC11-related conditions. Algorithms developed to predict the effect of missense changes on protein structure and function are either unavailable or do not agree on the potential impact of this missense change (SIFT: "Deleterious"; PolyPhen-2: "Benign"; Align-GVGD: "Class C15"). In summary, the available evidence is currently insufficient to determine the role of this variant in disease. Therefore, it has been classified as a Variant of Uncertain Significance.